The following is an entry in ClinVar:

ClinVar aggregate classification (germline): Likely benign. Review status: criteria provided, multiple submitters, no conflicts (2 of 4 stars). 12 submissions from 12 submitters: Likely benign (8). 4 of the submissions do not count toward it. Last evaluated 2026-01-14.

Conditions:
TECPR2-related disorder. Also called: TECPR2-related condition.
Inborn genetic diseases. Identifiers: MedGen C0950123, MeSH D030342.
Hereditary spastic paraplegia. Also called: Familial spastic paraparesis. Identifiers: Orphanet 685, MedGen C0037773, MONDO:0019064. Disease mechanism: loss of function.
Hereditary spastic paraplegia 49 (HSAN9). Also called: TECPR2-Related Hereditary Sensory and Autonomic Neuropathy with Intellectual Disability; NEUROPATHY, HEREDITARY SENSORY AND AUTONOMIC, TYPE IX, WITH DEVELOPMENTAL DELAY; Spastic paraplegia 49, autosomal recessive. Identifiers: Orphanet 320385, MedGen C5190860, MONDO:0014016, OMIM 615031.

Allele frequency attached by ClinVar (database versions not stated): 1000 Genomes Project 30x 0.00047; gnomAD exomes 0.00097; ExAC 0.00106; gnomAD 0.00114 and 0.00115; TOPMed 0.00119; ESP Exome Variant Server 0.00146; 1000 Genomes Project 0.00020.
gnomAD v4.1: 2,711 of 1,545,150 alleles (0.18%); highest among the groups gnomAD compares: Non-Finnish European, 0.22%; 6 homozygotes.

Submissions (12):

Labcorp Genetics (formerly Invitae), Labcorp
Classification: Likely benign for Hereditary spastic paraplegia 49. Last evaluated: 2026-01-14. Review status: criteria provided, single submitter. Criteria: Invitae Variant Classification Sherloc (09022015). Collection method: clinical testing. Allele origin: germline.

CeGaT Center for Human Genetics Tuebingen
Classification: Likely benign. Last evaluated: 2025-07-01. Review status: criteria provided, single submitter. Criteria: CeGaT Center For Human Genetics Tuebingen Variant Classification Criteria Version 2. Collection method: clinical testing. Allele origin: germline. Affected: yes. Observed: 4 variant alleles.
Comment: TECPR2: BP1, BP4

Mayo Clinic Laboratories, Mayo Clinic
Classification: Likely benign. Last evaluated: 2025-05-23. Review status: criteria provided, single submitter. Criteria: ACMG Guidelines, 2015. Collection method: clinical testing. Allele origin: germline. Observed: 4 variant alleles.
Comment: BS1, BP4

Women's Health and Genetics/Laboratory Corporation of America, LabCorp
Classification: Likely benign. Last evaluated: 2024-05-08. Review status: criteria provided, single submitter. Criteria: LabCorp Variant Classification Summary - May 2015. Collection method: clinical testing. Allele origin: germline.
Comment: Variant summary: TECPR2 c.1644T>G (p.Asn548Lys) results in a non-conservative amino acid change in the encoded protein sequence. Four of five in-silico tools predict a benign effect of the variant on protein function. The variant allele was found at a frequency of 0.00097 in 194180 control chromosomes, predominantly at a frequency of 0.0018 within the Non-Finnish European subpopulation in the gnomAD database. The observed variant frequency within Non-Finnish European control individuals in the gnomAD database is approximately 2 fold of the estimated maximal expected allele frequency for a pathogenic variant in TECPR2 causing Hereditary Spastic Paraplegia, Type 49 phenotype (0.0011), strongly suggesting that the variant is a benign polymorphism found primarily in populations of Non-Finnish European origin. To our knowledge, no occurrence of c.1644T>G in individuals affected with Hereditary Spastic Paraplegia, Type 49 and no experimental evidence demonstrating its impact on protein function have been reported. ClinVar contains an entry for this variant (Variation ID: 408917). Based on the evidence outlined above, the variant was classified as likely benign.

Ambry Genetics
Classification: Likely benign for Inborn genetic diseases. Last evaluated: 2022-04-08. Review status: criteria provided, single submitter. Criteria: Ambry Variant Classification Scheme 2023. Collection method: clinical testing. Allele origin: germline.

Genome Diagnostics Laboratory, The Hospital for Sick Children
Classification: Likely benign for Hereditary spastic paraplegia. Last evaluated: 2019-05-01. Review status: criteria provided, single submitter. Criteria: ACMG Guidelines, 2015. Collection method: clinical testing. Allele origin: germline. Affected: yes.

GeneDx
Classification: Likely benign. Last evaluated: 2017-12-28. Review status: criteria provided, single submitter. Criteria: GeneDx Variant Classification (06012015). Collection method: clinical testing. Allele origin: germline. Affected: yes.
Comment: This variant is considered likely benign or benign based on one or more of the following criteria: it is a conservative change, it occurs at a poorly conserved position in the protein, it is predicted to be benign by multiple in silico algorithms, and/or has population frequency not consistent with disease.

Breakthrough Genomics
Classification: Likely benign. Review status: criteria provided, single submitter. Criteria: ACMG Guidelines, 2015. Collection method: not provided. Allele origin: germline. Inheritance: Autosomal recessive inheritance. Affected: yes.

PreventionGenetics, part of Exact Sciences
Classification: Likely benign for TECPR2-related condition. Last evaluated: 2022-12-15. Review status: no assertion criteria provided. Collection method: clinical testing. Allele origin: germline. Not counted in ClinVar's aggregate classification.
Comment: This variant is classified as likely benign based on ACMG/AMP sequence variant interpretation guidelines (Richards et al. 2015 PMID: 25741868, with internal and published modifications).

Natera, Inc.
Classification: Benign for Autosomal recessive spastic paraplegia type 49. Last evaluated: 2019-10-21. Review status: no assertion criteria provided. Collection method: clinical testing. Allele origin: germline. Not counted in ClinVar's aggregate classification.

Clinical Genetics DNA and cytogenetics Diagnostics Lab, Erasmus MC, Erasmus Medical Center
Classification: Likely benign. Review status: no assertion criteria provided. Collection method: clinical testing. Allele origin: germline. Affected: yes. Study: VKGL Data-share Consensus. Not counted in ClinVar's aggregate classification.

Laboratory of Diagnostic Genome Analysis, Leiden University Medical Center (LUMC)
Classification: Likely benign. Review status: no assertion criteria provided. Collection method: clinical testing. Allele origin: germline. Affected: yes. Study: VKGL Data-share Consensus. Not counted in ClinVar's aggregate classification.

NM_014844.5(TECPR2):c.1644T>G (p.Asn548Lys)

Gene: TECPR2 (tectonin beta-propeller repeat containing 2; plus strand). Cytogenetic location: 14q32.31.
Variant type: single nucleotide variant.
Coding change: c.1644T>G on transcript NM_014844.5 (MANE Select); coding-DNA position 1644, T replaced by G.
Protein change: p.Asn548Lys; replaces asparagine 548 with lysine.
Molecular consequence: missense variant.
Genome position (GRCh38, 1-based): chr14:102,434,461, T>G. VCF-style: chr14-102434461-T-G. GRCh37 (hg19) VCF-style: chr14-102900798-T-G.
Other names: p.Asn548Lys; c.1644T>G, p.Asn548Lys (NM_001172631.3); c.1644T>G (NM_014844.4); short protein forms N548K.
Identifiers: ClinVar variation 408917 (VCV000408917.51), dbSNP rs72700613, ClinGen allele CA7357764.